The following is an entry in ClinVar:

ClinVar aggregate classification (germline): Uncertain significance (1 of 4 stars; one submission).

Submission:

Labcorp Genetics (formerly Invitae), Labcorp
Classification: Uncertain significance. Last evaluated: 2020-02-17. Review status: criteria provided, single submitter. Criteria: Invitae Variant Classification Sherloc (09022015). Collection method: clinical testing. Allele origin: germline.
Comment: In summary, the available evidence is currently insufficient to determine the role of this variant in disease. Therefore, it has been classified as a Variant of Uncertain Significance. Algorithms developed to predict the effect of missense changes on protein structure and function (SIFT, PolyPhen-2, Align-GVGD) all suggest that this variant is likely to be tolerated, but these predictions have not been confirmed by published functional studies and their clinical significance is uncertain. This variant has not been reported in the literature in individuals with CPLANE1-related conditions. This variant is not present in population databases (ExAC no frequency). This sequence change replaces leucine with phenylalanine at codon 116 of the CPLANE1 protein (p.Leu116Phe). The leucine residue is weakly conserved and there is a small physicochemical difference between leucine and phenylalanine.

NM_001384732.1(CPLANE1):c.348G>C (p.Leu116Phe)

Gene: CPLANE1 (ciliogenesis and planar polarity effector complex subunit 1; minus strand). Cytogenetic location: 5p13.2.
Variant type: single nucleotide variant.
Coding change: c.348G>C on transcript NM_001384732.1 (MANE Select); coding-DNA position 348, G replaced by C.
Protein change: p.Leu116Phe; replaces leucine 116 with phenylalanine.
Molecular consequence: missense variant.
Genome position (GRCh38, 1-based): chr5:37,244,597, C>G on the plus strand (G>C on the coding strand, the complement: CPLANE1 is on the minus strand). VCF-style: chr5-37244597-C-G. GRCh37 (hg19) VCF-style: chr5-37244699-C-G.
Other names: c.348G>C, p.Leu116Phe (NM_023073.4); short protein forms L116F.
Identifiers: ClinVar variation 944359 (VCV000944359.9), dbSNP rs1738857191, ClinGen allele CA359522473.